The following is an entry in ClinVar:

NM_000222.3(KIT):c.2813A>T (p.Asn938Ile)

Gene: KIT (KIT proto-oncogene, receptor tyrosine kinase; plus strand). Cytogenetic location: 4q12.
Variant type: single nucleotide variant.
Coding change: c.2813A>T on transcript NM_000222.3 (MANE Select); coding-DNA position 2813, A replaced by T.
Protein change: p.Asn938Ile; replaces asparagine 938 with isoleucine.
Molecular consequence: missense variant.
Genome position (GRCh38, 1-based): chr4:54,738,439, A>T. VCF-style: chr4-54738439-A-T. GRCh37 (hg19) VCF-style: chr4-55604605-A-T.
Other names: c.2801A>T, p.Asn934Ile (NM_001093772.2, NM_001385292.1); c.2816A>T, p.Asn939Ile (NM_001385284.1); c.2810A>T, p.Asn937Ile (NM_001385285.1); c.2798A>T, p.Asn933Ile (NM_001385286.1); c.2804A>T, p.Asn935Ile (NM_001385288.1); c.2813A>T, p.Asn938Ile (NM_001385290.1); short protein forms N938I, N935I, N937I, N934I, N939I, N933I.
Identifiers: ClinVar variation 2117782 (VCV002117782.4), dbSNP rs1379323416, ClinGen allele CA356915717.

ClinVar aggregate classification (germline): Uncertain significance (1 of 4 stars; one submission).

Conditions:
Gastrointestinal stromal tumor. Also called: Gastrointestinal stroma tumor; Gastrointestinal stromal tumor, somatic. Identifiers: Orphanet 44890, MedGen C0238198, MeSH D046152, MONDO:0011719, OMIM 606764, HP:0100723.

Submission:

Labcorp Genetics (formerly Invitae), Labcorp
Classification: Uncertain significance for Gastrointestinal stromal tumor. Last evaluated: 2022-03-26. Review status: criteria provided, single submitter. Criteria: Invitae Variant Classification Sherloc (09022015). Collection method: clinical testing. Allele origin: germline.
Comment: This sequence change replaces asparagine, which is neutral and polar, with isoleucine, which is neutral and non-polar, at codon 938 of the KIT protein (p.Asn938Ile). This variant is not present in population databases (gnomAD no frequency). In summary, the available evidence is currently insufficient to determine the role of this variant in disease. Therefore, it has been classified as a Variant of Uncertain Significance. Algorithms developed to predict the effect of missense changes on protein structure and function (SIFT, PolyPhen-2, Align-GVGD) all suggest that this variant is likely to be disruptive. This variant has not been reported in the literature in individuals affected with KIT-related conditions.